The following is an entry in ClinVar:

NM_033159.4(HYAL1):c.1280C>T (p.Pro427Leu)

Gene: HYAL1 (hyaluronidase 1; minus strand). Cytogenetic location: 3p21.31.
Variant type: single nucleotide variant.
Coding change: c.1280C>T on transcript NM_033159.4 (MANE Select); coding-DNA position 1280, C replaced by T.
Protein change: p.Pro427Leu; replaces proline 427 with leucine.
Molecular consequence: missense variant. On other transcripts: non-coding transcript variant (1).
Genome position (GRCh38, 1-based): chr3:50,300,511, G>A on the plus strand (C>T on the coding strand, the complement: HYAL1 is on the minus strand). VCF-style: chr3-50300511-G-A. GRCh37 (hg19) VCF-style: chr3-50337942-G-A.
Other names: c.1280C>T (NM_153281.1); c.1280C>T, p.Pro427Leu (NM_153281.2); c.1190C>T, p.Pro397Leu (NM_153282.3); c.734C>T, p.Pro245Leu (NM_153283.3); c.503C>T, p.Pro168Leu (NM_153285.3); short protein forms P427L, P245L, P397L, P168L.
Identifiers: ClinVar variation 1374037 (VCV001374037.8), dbSNP rs782298295, ClinGen allele CA2415694.
Genomic context (GRCh38, chr3:50,300,511, plus strand): 5'-TTCTCAATATGTGCAACTCAGTGTGTGGCCAATCACCACATGCTCTTCCGCTCACACCAC[G>A]GTGCCTGCCAGCCAGGGTAGCATCGACATTTGAACTCCACAGCCATCTGTGCCTGATCTT-3'
Protein context (NP_149349.2, residues 417-435): KCRCYPGWQA[Pro427Leu]WCERKSMW

ClinVar aggregate classification (germline): Uncertain significance. Review status: criteria provided, multiple submitters, no conflicts (2 of 4 stars). 2 submissions from 2 submitters: Uncertain significance (2). Last evaluated 2024-12-10.

Conditions:
Deficiency of hyaluronoglucosaminidase (MPS9). Also called: MPS IX; HYALURONIDASE DEFICIENCY; Mucopolysaccharidosis type 9. Identifiers: Orphanet 67041, MedGen C1291490, MONDO:0011093, OMIM 601492.

Allele frequency attached by ClinVar (database versions not stated): TOPMed below 0.00001; ExAC 0.00001; gnomAD exomes 0.00001.
gnomAD v4.1: 16 of 1,614,218 alleles (0.00099%); highest among the groups gnomAD compares: South Asian, 0.0022%; no homozygotes.

Submissions (2):

Ambry Genetics
Classification: Uncertain significance. Last evaluated: 2024-12-10. Review status: criteria provided, single submitter. Criteria: Ambry Variant Classification Scheme 2023. Collection method: clinical testing. Allele origin: germline.

Labcorp Genetics (formerly Invitae), Labcorp
Classification: Uncertain significance for Deficiency of hyaluronoglucosaminidase. Last evaluated: 2021-02-01. Review status: criteria provided, single submitter. Criteria: Invitae Variant Classification Sherloc (09022015). Collection method: clinical testing. Allele origin: germline.
Comment: This variant has not been reported in the literature in individuals with HYAL1-related conditions. Algorithms developed to predict the effect of missense changes on protein structure and function (SIFT, PolyPhen-2, Align-GVGD) all suggest that this variant is likely to be tolerated, but these predictions have not been confirmed by published functional studies and their clinical significance is uncertain. In summary, the available evidence is currently insufficient to determine the role of this variant in disease. Therefore, it has been classified as a Variant of Uncertain Significance. This variant is present in population databases (rs782298295, ExAC 0.006%). This sequence change replaces proline with leucine at codon 427 of the HYAL1 protein (p.Pro427Leu). The proline residue is weakly conserved and there is a moderate physicochemical difference between proline and leucine.